The following is an entry in ClinVar:

NM_001023.4(RPS20):c.298C>T (p.Gln100Ter)

Gene: RPS20 (ribosomal protein S20; minus strand). Cytogenetic location: 8q12.1.
Variant type: single nucleotide variant.
Coding change: c.298C>T on transcript NM_001023.4 (MANE Select); coding-DNA position 298, C replaced by T.
Protein change: p.Gln100Ter; replaces glutamine 100 with a stop codon.
Molecular consequence: nonsense.
Genome position (GRCh38, 1-based): chr8:56,073,152, G>A on the plus strand (C>T on the coding strand, the complement: RPS20 is on the minus strand). VCF-style: chr8-56073152-G-A. GRCh37 (hg19) VCF-style: chr8-56985711-G-A.
Other names: c.298C>T, p.Gln100Ter (NM_001146227.3); short protein forms Q100*.
Identifiers: ClinVar variation 3718908 (VCV003718908.2).

ClinVar aggregate classification (germline): Uncertain significance (1 of 4 stars; one submission).

Submission:

Labcorp Genetics (formerly Invitae), Labcorp
Classification: Uncertain significance. Last evaluated: 2024-06-12. Review status: criteria provided, single submitter. Criteria: Invitae Variant Classification Sherloc (09022015). Collection method: clinical testing. Allele origin: germline.
Comment: This sequence change creates a premature translational stop signal (p.Gln100*) in the RPS20 gene. While this is not anticipated to result in nonsense mediated decay, it is expected to disrupt the last 20 amino acid(s) of the RPS20 protein. This variant is not present in population databases (gnomAD no frequency). This variant has not been reported in the literature in individuals affected with RPS20-related conditions. Algorithms developed to predict the effect of sequence changes on RNA splicing suggest that this variant may create or strengthen a splice site. In summary, the available evidence is currently insufficient to determine the role of this variant in disease. Therefore, it has been classified as a Variant of Uncertain Significance.